The following is an entry in ClinVar:

ClinVar aggregate classification (germline): Likely benign (1 of 4 stars; one submission).

Conditions:
PHIP-related disorder. Also called: PHIP-related disorders; PHIP-related condition.

gnomAD v4.1: 4 of 1,608,942 alleles (0.00025%); highest among the groups gnomAD compares: Non-Finnish European, 0.00034%; no homozygotes.

Submission:

PreventionGenetics, part of Exact Sciences
Classification: Likely benign for PHIP-related condition. Last evaluated: 2026-04-19. Review status: criteria provided, single submitter. Criteria: ACMG Guidelines, 2015. Collection method: clinical testing. Allele origin: germline.
Comment: This variant is classified as likely benign based on ACMG/AMP sequence variant interpretation guidelines (Richards et al. 2015 PMID: 25741868, with internal and published modifications).

NM_017934.7(PHIP):c.40+8G>A

Genes: PHIP (PHIP subunit of CUL4-Ring ligase complex; minus strand), LOC129996745 (ATAC-STARR-seq lymphoblastoid silent region 17346; plus strand). Cytogenetic location: 6q14.1.
Variant type: single nucleotide variant.
Coding change: c.40+8G>A on transcript NM_017934.7 (MANE Select); 8 bases into the intron after coding-DNA position 40, G replaced by A.
Molecular consequence: intron variant.
Genome position (GRCh38, 1-based): chr6:79,078,021, C>T on the plus strand (G>A on the coding strand, the complement: PHIP is on the minus strand). VCF-style: chr6-79078021-C-T. GRCh37 (hg19) VCF-style: chr6-79787738-C-T.
Identifiers: ClinVar variation 5000684 (VCV005000684.1).